The following is an entry in ClinVar:

NM_032360.4(ACBD6):c.727C>T (p.Leu243=)

Gene: ACBD6 (acyl-CoA binding domain containing 6; minus strand). Cytogenetic location: 1q25.2.
Variant type: single nucleotide variant.
Coding change: c.727C>T on transcript NM_032360.4 (MANE Select); coding-DNA position 727, C replaced by T.
Protein change: p.Leu243=; no amino-acid change (leucine 243 retained).
Molecular consequence: synonymous variant.
Genome position (GRCh38, 1-based): chr1:180,288,485, G>A on the plus strand (C>T on the coding strand, the complement: ACBD6 is on the minus strand). VCF-style: chr1-180288485-G-A. GRCh37 (hg19) VCF-style: chr1-180257620-G-A.
Identifiers: ClinVar variation 4872577 (VCV004872577.2).

ClinVar aggregate classification (germline): Likely benign (1 of 4 stars; one submission).

Submission:

CeGaT Center for Human Genetics Tuebingen
Classification: Likely benign. Last evaluated: 2026-04-01. Review status: criteria provided, single submitter. Criteria: CeGaT Center For Human Genetics Tuebingen Variant Classification Criteria Version 2. Collection method: clinical testing. Allele origin: germline. Affected: yes. Observed: 1 variant allele.
Comment: ACBD6: BP4, BP7